The following is an entry in ClinVar:

NM_000517.6(HBA2):c.197C>A (p.Ala66Glu)

Genes: HBA2 (hemoglobin subunit alpha 2; plus strand), LOC106804612 (hemoglobin subunit alpha 2 recombination region; plus strand). Cytogenetic location: 16p13.3.
Variant type: single nucleotide variant.
Coding change: c.197C>A on transcript NM_000517.6 (MANE Select); coding-DNA position 197, C replaced by A.
Protein change: p.Ala66Glu; replaces alanine 66 with glutamic acid.
Molecular consequence: missense variant.
Genome position (GRCh38, 1-based): chr16:173,226, C>A. VCF-style: chr16-173226-C-A. GRCh37 (hg19) VCF-style: chr16-223225-C-A.
Other names: short protein forms A66E.
Identifiers: ClinVar variation 4280308 (VCV004280308.1).

ClinVar aggregate classification (germline): Likely benign (0 of 4 stars; one submission).

Conditions:
alpha Thalassemia. Also called: Alpha thalassemia spectrum. Identifiers: Orphanet 846, MedGen C0002312, MONDO:0011399, OMIM 604131.

Submission:

Precision Medicine Lab Center, Yangjiang People's Hospital
Classification: Likely benign for alpha Thalassemia. Last evaluated: 2025-03-16. Review status: no assertion criteria provided. Collection method: clinical testing. Allele origin: germline. Affected: yes. Observed: 1 variant allele.
Comment: Hemoglobin electrophoresis revealed HbA at 78.3%, HbA2 at 2.0%, and an abnormal hemoglobin component at 19.7%. One variant at the same position on HbVar was included, named HBA2:c.197C>T. This variant is likely benign. In this study, computational analysis of the missense mutation HBA2:c.197C>A (Ala >Glu) suggests that this variant is likely benign.